The following is an entry in ClinVar:

NM_002546.4(TNFRSF11B):c.419_420del (p.Thr140fs)

Gene: TNFRSF11B (TNF receptor superfamily member 11b; minus strand). Cytogenetic location: 8q24.12.
Variant type: Deletion.
Coding change: c.419_420del on transcript NM_002546.4 (MANE Select); coding-DNA positions 419 to 420, 2 bases deleted (CA; older notation c.419_420delCA).
Protein change: p.Thr140fs; shifts the reading frame from threonine 140.
Molecular consequence: frameshift variant.
Genome position (GRCh38, 1-based): chr8:118,928,910-118,928,911, TG deleted on the plus strand (CA on the coding strand, the reverse complement: TNFRSF11B is on the minus strand); deleting any 2 consecutive bases within chr8:118,928,910-118,928,912 gives the same sequence; the c. name uses the placement nearest the transcript's 3' end. VCF-style (leftmost placement, unchanged base first): chr8-118928909-CTG-C. GRCh37 (hg19) VCF-style: chr8-119941148-CTG-C.
Other names: short protein forms T140fs.
Identifiers: ClinVar variation 3062042 (VCV003062042.1), dbSNP rs1355555142, ClinGen allele CA584549286.
Genomic context (GRCh38, chr8:118,928,909, plus strand): 5'-TACAGGGTGCTTTAGATGACGTCTCATTTGAGAAGAACCCATCTGGACATCTTTTGCAAA[CTG>C]TATTTCGCTCTGGGGTTCCTACAGAAAATACCAAGCAATTTAGTACCTTCTCCTCAAATC-3'

ClinVar aggregate classification (germline): Likely pathogenic (1 of 4 stars; one submission).

Conditions:
Hyperphosphatasemia with bone disease (PDB5). Also called: HYPEROSTOSIS CORTICALIS DEFORMANS JUVENILIS; HYPERPHOSPHATASEMIA, CHRONIC CONGENITAL IDIOPATHIC; HYPERPHOSPHATASIA, FAMILIAL IDIOPATHIC; PAGET DISEASE OF BONE 5, JUVENILE-ONSET; Osteoectasia familial; Paget disease of bone 5. Identifiers: Orphanet 2801, MedGen C0268414, MONDO:0009394, OMIM 239000.

Submission:

Illumina Laboratory Services, Illumina
Classification: Likely pathogenic for Hyperphosphatasemia with bone disease. Last evaluated: 2019-01-29. Review status: criteria provided, single submitter. Criteria: ICSLVariantClassificationCriteria RUGD 01 April 2020. Collection method: clinical testing. Allele origin: unknown.
Comment: The TNFRSF11B c.419_420delCA p.(Thr140SerfsTer13) variant causes a shift in the protein reading frame that is predicted to result in premature termination of the protein. Loss of normal protein function through either protein truncation or nonsense-mediated mRNA decay is expected. To our knowledge, this variant has not been reported in the peer-reviewed literature. This variant is reported at a frequency of 0.000009 in the European (non-Finnish) population of the Genome Aggregation Database (version 2.1.1); however, this frequency is based on one allele only in a region of good sequencing coverage. Based on the available evidence, the c.419_420delCA p.(Thr140SerfsTer13) variant is classified as likely pathogenic for juvenile Paget disease.